The following is an entry in ClinVar:

ClinVar aggregate classification (germline): Uncertain significance. Review status: criteria provided, multiple submitters, no conflicts (2 of 4 stars). 2 submissions from 2 submitters: Uncertain significance (2). Last evaluated 2021-12-24.

Conditions:
Amish lethal microcephaly (MCPHA). Also called: MICROCEPHALY, AMISH TYPE; THIAMINE METABOLISM DYSFUNCTION SYNDROME 3 (MICROCEPHALY TYPE). Identifiers: Orphanet 99742, MedGen C1846648, MONDO:0011790, OMIM 607196.

Allele frequency attached by ClinVar (database versions not stated): ExAC 0.00002; gnomAD exomes 0.00002 and 0.00003; TOPMed 0.00002; gnomAD 0.00006.
gnomAD v4.1: 44 of 1,612,410 alleles (0.0027%); highest among the groups gnomAD compares: Non-Finnish European, 0.003%; no homozygotes.

Submissions (2):

Labcorp Genetics (formerly Invitae), Labcorp
Classification: Uncertain significance. Last evaluated: 2021-12-24. Review status: criteria provided, single submitter. Criteria: Invitae Variant Classification Sherloc (09022015). Collection method: clinical testing. Allele origin: germline.
Comment: This sequence change replaces arginine, which is basic and polar, with glutamine, which is neutral and polar, at codon 260 of the SLC25A19 protein (p.Arg260Gln). This variant is present in population databases (rs200977389, gnomAD 0.006%). This variant has not been reported in the literature in individuals affected with SLC25A19-related conditions. ClinVar contains an entry for this variant (Variation ID: 1029820). Algorithms developed to predict the effect of missense changes on protein structure and function (SIFT, PolyPhen-2, Align-GVGD) all suggest that this variant is likely to be tolerated. Algorithms developed to predict the effect of sequence changes on RNA splicing suggest that this variant may create or strengthen a splice site. In summary, the available evidence is currently insufficient to determine the role of this variant in disease. Therefore, it has been classified as a Variant of Uncertain Significance.

Baylor Genetics
Classification: Uncertain significance for Amish lethal microcephaly. Last evaluated: 2019-06-19. Review status: criteria provided, single submitter. Criteria: ACMG Guidelines, 2015. Collection method: clinical testing. Allele origin: unknown. Affected: yes.
Comment: This variant was determined to be of uncertain significance according to ACMG Guidelines, 2015 [PMID:25741868].

NM_001126121.2(SLC25A19):c.779G>A (p.Arg260Gln)

Genes: MIF4GD-DT (MIF4GD divergent transcript; plus strand), SLC25A19 (solute carrier family 25 member 19; minus strand). Cytogenetic location: 17q25.1.
Variant type: single nucleotide variant.
Coding change: c.779G>A on transcript NM_001126121.2 (MANE Select); coding-DNA position 779, G replaced by A.
Protein change: p.Arg260Gln; replaces arginine 260 with glutamine.
Molecular consequence: missense variant. On other transcripts: non-coding transcript variant (1).
Genome position (GRCh38, 1-based): chr17:75,273,635, C>T on the plus strand (G>A on the coding strand, the complement: SLC25A19 is on the minus strand). VCF-style: chr17-75273635-C-T. GRCh37 (hg19) VCF-style: chr17-73269716-C-T.
Other names: c.779G>A, p.Arg260Gln (NM_001126122.2, NM_021734.5); short protein forms R260Q.
Identifiers: ClinVar variation 1029820 (VCV001029820.4), dbSNP rs200977389, ClinGen allele CA8760880.